The following is an entry in ClinVar:

ClinVar aggregate classification (germline): Uncertain significance. Review status: criteria provided, multiple submitters, no conflicts (2 of 4 stars). 2 submissions from 2 submitters: Uncertain significance (2). Last evaluated 2026-07-30.

Conditions:
Autosomal dominant Alport syndrome (ATS3A). Also called: ALPORT SYNDROME 3A, AUTOSOMAL DOMINANT; Alport syndrome dominant type; Renal failure and sensorineural hearing loss. Identifiers: Orphanet 63, Orphanet 88918, MedGen C5882663, MONDO:0007086, OMIM 104200.

Submissions (2):

Genetics laboratory, Institute of Kidney Diseases & Research Centre Dr. H.L. Trivedi Institute Of Transplantation Sciences
Classification: Uncertain significance for Autosomal dominant Alport syndrome. Last evaluated: 2026-07-30. Review status: criteria provided, single submitter. Criteria: ACMG Guidelines, 2015. Collection method: clinical testing. Allele origin: germline. Inheritance: Autosomal dominant inheritance. Affected: yes. Observed: 1 variant allele, 1 heterozygote.
Comment: A heterozygous intronic splice-region variant, c.3337+6G>T, was identified in the COL4A3 gene. The variant is located at the +6 position of the donor splice site and is absent or extremely rare in population databases. However, as this is a non-canonical splice-site variant, there is currently insufficient evidence to demonstrate that it disrupts normal RNA splicing. No well-established functional RNA studies, segregation data, or sufficient published clinical evidence supporting the pathogenicity of this specific variant are currently available. Therefore, the available evidence is insufficient to establish a pathogenic or likely pathogenic role for this variant. According to the ACMG/AMP guidelines, this variant is classified as a Variant of Uncertain Significance (VUS).

Labcorp Genetics (formerly Invitae), Labcorp
Classification: Uncertain significance. Last evaluated: 2020-11-10. Review status: criteria provided, single submitter. Criteria: Invitae Variant Classification Sherloc (09022015). Collection method: clinical testing. Allele origin: germline.
Comment: This sequence change falls in intron 38 of the COL4A3 gene. It does not directly change the encoded amino acid sequence of the COL4A3 protein. It affects a nucleotide within the consensus splice site of the intron. This variant is not present in population databases (ExAC no frequency). This variant has not been reported in the literature in individuals with COL4A3-related conditions. Nucleotide substitutions within the consensus splice site are a relatively common cause of aberrant splicing (PMID: 17576681, 9536098). Algorithms developed to predict the effect of sequence changes on RNA splicing suggest that this variant is not likely to affect RNA splicing, but this prediction has not been confirmed by published transcriptional studies. In summary, the available evidence is currently insufficient to determine the role of this variant in disease. Therefore, it has been classified as a Variant of Uncertain Significance.

Literature cited by the submitters: PubMed 17576681 (cited by Labcorp Genetics (formerly Invitae), Labcorp); PubMed 9536098 (cited by Labcorp Genetics (formerly Invitae), Labcorp).

NM_000091.5(COL4A3):c.3337+6G>T

Genes: COL4A3 (collagen type IV alpha 3 chain; plus strand), MFF-DT (MFF divergent transcript; minus strand). Cytogenetic location: 2q36.3.
Variant type: single nucleotide variant.
Coding change: c.3337+6G>T on transcript NM_000091.5 (MANE Select); 6 bases into the intron after coding-DNA position 3337, G replaced by T.
Molecular consequence: intron variant.
Genome position (GRCh38, 1-based): chr2:227,293,323, G>T. VCF-style: chr2-227293323-G-T. GRCh37 (hg19) VCF-style: chr2-228158039-G-T.
Identifiers: ClinVar variation 1906588 (VCV001906588.3), dbSNP rs1008678288, ClinGen allele CA2577265257.
Genomic context (GRCh38, chr2:227,293,323, plus strand): 5'-GGGCCTGCTGGACCTGAGGGAGCCCCTGGAAGTCCTGGAAGTCCTGGCCTCCCAGGTAAG[G>T]CTTGAGTTTACAATTCTAAAAGCTGGAAGCATTACTCAGAGTATAGCCCTCCTGAAATCA-3'